The following is an entry in ClinVar:

ClinVar aggregate classification (germline): Uncertain significance. Review status: criteria provided, multiple submitters, no conflicts (2 of 4 stars). 2 submissions from 2 submitters: Uncertain significance (2). Last evaluated 2025-11-20.

Conditions:
TBX3-related disorder. Also called: TBX3-related condition.
Inborn genetic diseases. Identifiers: MedGen C0950123, MeSH D030342.

Submissions (2):

Ambry Genetics
Classification: Uncertain significance for Inborn genetic diseases. Last evaluated: 2025-11-20. Review status: criteria provided, single submitter. Criteria: Ambry Variant Classification Scheme 2023. Collection method: clinical testing. Allele origin: germline.

PreventionGenetics, part of Exact Sciences
Classification: Uncertain significance for TBX3-related condition. Last evaluated: 2025-06-03. Review status: criteria provided, single submitter. Criteria: ACMG Guidelines, 2015. Collection method: clinical testing. Allele origin: germline.
Comment: The TBX3 c.805C>T variant is predicted to result in the amino acid substitution p.Arg269Trp. To our knowledge, this variant has not been reported in the literature. This variant is reported in 0.00088% of alleles in individuals of European (Non-Finnish) descent in gnomAD. At this time, the clinical significance of this variant is uncertain due to the absence of conclusive functional and genetic evidence.

NM_005996.4(TBX3):c.745C>T (p.Arg249Trp)

Gene: TBX3 (T-box transcription factor 3; minus strand). Cytogenetic location: 12q24.21.
Variant type: single nucleotide variant.
Coding change: c.745C>T on transcript NM_005996.4 (MANE Select); coding-DNA position 745, C replaced by T.
Protein change: p.Arg249Trp; replaces arginine 249 with tryptophan.
Molecular consequence: missense variant.
Genome position (GRCh38, 1-based): chr12:114,679,564, G>A on the plus strand (C>T on the coding strand, the complement: TBX3 is on the minus strand). VCF-style: chr12-114679564-G-A. GRCh37 (hg19) VCF-style: chr12-115117369-G-A.
Other names: c.805C>T, p.Arg269Trp (NM_016569.4); c.805C>T (NM_016569.3); short protein forms R249W, R269W.
Identifiers: ClinVar variation 4632802 (VCV004632802.2).